The following is an entry in ClinVar:

NM_024818.6(UBA5):c.761T>C (p.Leu254Pro)

Genes: NPHP3-ACAD11 (NPHP3-ACAD11 readthrough (NMD candidate); minus strand), UBA5 (ubiquitin like modifier activating enzyme 5; plus strand). Cytogenetic location: 3q22.1.
Variant type: single nucleotide variant.
Coding change: c.761T>C on transcript NM_024818.6 (MANE Select); coding-DNA position 761, T replaced by C.
Protein change: p.Leu254Pro; replaces leucine 254 with proline.
Molecular consequence: missense variant.
Genome position (GRCh38, 1-based): chr3:132,672,126, T>C. VCF-style: chr3-132672126-T-C. GRCh37 (hg19) VCF-style: chr3-132390970-T-C.
Other names: c.593T>C, p.Leu198Pro (NM_001320210.2, NM_198329.4); c.491T>C, p.Leu164Pro (NM_001321238.2); c.425T>C, p.Leu142Pro (NM_001321239.1); short protein forms L142P, L164P, L198P, L254P.
Identifiers: ClinVar variation 1048516 (VCV001048516.2), dbSNP rs2107943727, ClinGen allele CA354574751.

ClinVar aggregate classification (germline): Pathogenic/Likely pathogenic. Review status: criteria provided, multiple submitters, no conflicts (2 of 4 stars). 2 submissions from 2 submitters: Pathogenic (1); Likely pathogenic (1). Last evaluated 2021-03-14.

Conditions:
Developmental and epileptic encephalopathy, 44 (DEE44). Also called: Epileptic encephalopathy, early infantile, 44. Identifiers: MedGen C4310700, MONDO:0014933, OMIM 617132.
UBA5-related disorder. Also called: UBA5-related disorders; UBA5-related condition.

Allele frequency attached by ClinVar (database versions not stated): gnomAD exomes below 0.00001.
gnomAD v4.1: 5 of 1,614,050 alleles (0.00031%); highest among the groups gnomAD compares: Non-Finnish European, 0.00042%; no homozygotes.

Submissions (2):

Massachusetts General Hospital Undiagnosed Diseases Network, Massachusetts General Hospital
Classification: Pathogenic for Developmental and epileptic encephalopathy, 44. Last evaluated: 2021-03-14. Review status: criteria provided, single submitter. Criteria: ACMG Guidelines, 2015. Collection method: research, in vitro. Allele origin: inherited, not applicable. Inheritance: Autosomal recessive inheritance. Affected: yes. Observed: 2 variant alleles, 2 compound heterozygotes.
Comment: PS3, PM3, PP1, PP3, PP4

Blueprint Genetics
Classification: Likely pathogenic for UBA5-related disorders. Last evaluated: 2019-12-27. Review status: criteria provided, single submitter. Criteria: ACMG Guidelines, 2015. Collection method: clinical testing. Allele origin: germline. Affected: yes. Observed: 3 variant alleles.

Literature cited by the submitters: PubMed 33811063 (cited by Massachusetts General Hospital Undiagnosed Diseases Network, Massachusetts General Hospital).